The following is an entry in ClinVar:

NM_032444.4(SLX4):c.3153A>G (p.Thr1051=)

Gene: SLX4 (SLX4 structure-specific endonuclease subunit; minus strand). Cytogenetic location: 16p13.3.
Variant type: single nucleotide variant.
Coding change: c.3153A>G on transcript NM_032444.4 (MANE Select); coding-DNA position 3153, A replaced by G.
Protein change: p.Thr1051=; no amino-acid change (threonine 1051 retained).
Molecular consequence: synonymous variant.
Genome position (GRCh38, 1-based): chr16:3,590,485, T>C on the plus strand (A>G on the coding strand, the complement: SLX4 is on the minus strand). VCF-style: chr16-3590485-T-C. GRCh37 (hg19) VCF-style: chr16-3640486-T-C.
Identifiers: ClinVar variation 885328 (VCV000885328.41), dbSNP rs1484366381, ClinGen allele CA493391593.

ClinVar aggregate classification (germline): Conflicting classifications of pathogenicity. Review status: criteria provided, conflicting classifications (1 of 4 stars). 3 submissions from 3 submitters: Uncertain significance (1); Likely benign (2). Last evaluated 2024-10-29.

Conditions:
Fanconi anemia complementation group P. Also called: SLX4-Related Fanconi Anemia. Identifiers: Orphanet 84, MedGen C3469542, MONDO:0013499, OMIM 613951.
Fanconi anemia (FA). Also called: Fanconi's anemia. Identifiers: Orphanet 84, MedGen C0015625, MeSH D005199, MONDO:0019391.

Allele frequency attached by ClinVar (database versions not stated): gnomAD exomes below 0.00001 and 0.00001.
gnomAD v4.1: 2 of 1,613,970 alleles (0.00012%); highest among the groups gnomAD compares: Non-Finnish European, 0.000085%; no homozygotes.

Submissions (3):

Labcorp Genetics (formerly Invitae), Labcorp
Classification: Likely benign for Fanconi anemia. Last evaluated: 2024-10-29. Review status: criteria provided, single submitter. Criteria: Invitae Variant Classification Sherloc (09022015). Collection method: clinical testing. Allele origin: germline.

CeGaT Center for Human Genetics Tuebingen
Classification: Likely benign. Last evaluated: 2022-07-01. Review status: criteria provided, single submitter. Criteria: CeGaT Center For Human Genetics Tuebingen Variant Classification Criteria Version 2. Collection method: clinical testing. Allele origin: germline. Affected: yes. Observed: 2 variant alleles.
Comment: SLX4: BP4, BP7

Illumina Laboratory Services, Illumina
Classification: Uncertain significance for Fanconi anemia complementation group P. Last evaluated: 2018-01-12. Review status: criteria provided, single submitter. Criteria: ICSL Variant Classification Criteria 13 December 2019. Collection method: clinical testing. Allele origin: germline.